The following is an entry in ClinVar:

ClinVar aggregate classification (germline): Pathogenic/Likely pathogenic. Review status: criteria provided, multiple submitters, no conflicts (2 of 4 stars). 5 submissions from 5 submitters: Pathogenic (3); Likely pathogenic (1). 1 of the submissions does not count toward it. Last evaluated 2025-11-11.

Conditions:
Gastric cancer. Also called: Stomach cancer; Malignant tumor of stomach. Identifiers: MedGen C0024623, MeSH D013274, MONDO:0001056, OMIM 613659, HP:0012126.
Hereditary cancer-predisposing syndrome. Also called: Tumor predisposition; Hereditary neoplastic syndrome; Hereditary Cancer Syndrome; Neoplastic Syndromes, Hereditary. Identifiers: Orphanet 140162, MedGen C0027672, MeSH D009386, MONDO:0015356.
Familial cancer of breast. Also called: hereditary breast carcinoma; BREAST CANCER, FAMILIAL; Hereditary breast cancer. Identifiers: Orphanet 227535, MedGen C0346153, MONDO:0016419, OMIM 114480. Disease mechanism: loss of function.

Submissions (5):

Labcorp Genetics (formerly Invitae), Labcorp
Classification: Pathogenic for Familial cancer of breast. Last evaluated: 2025-11-11. Review status: criteria provided, single submitter. Criteria: Invitae Variant Classification Sherloc (09022015). Collection method: clinical testing. Allele origin: germline.
Comment: This sequence change creates a premature translational stop signal (p.Glu386*) in the BARD1 gene. It is expected to result in an absent or disrupted protein product. Loss-of-function variants in BARD1 are known to be pathogenic (PMID: 20077502, 21344236). This variant is not present in population databases (gnomAD no frequency). This variant has not been reported in the literature in individuals affected with BARD1-related conditions. ClinVar contains an entry for this variant (Variation ID: 490920). For these reasons, this variant has been classified as Pathogenic.

Molecular Diagnostics Laboratory, Catalan Institute of Oncology
Classification: Likely pathogenic for Hereditary cancer-predisposing syndrome. Last evaluated: 2025-05-28. Review status: criteria provided, single submitter. Criteria: ACMG Guidelines, 2015. Collection method: clinical testing. Allele origin: germline.
Comment: PVS1, PM2_Supporting c.1156G>T, located in exon 4 of the BARD1 gene, is a nonsense variant expected to result in loss of function by premature protein truncation and nonsense-mediated mRNA decay (PVS1). It is not present in the population database gnomAD v2.1.1, non cancer dataset (PM2_Supporting). No effect is predicted on splicing by SpliceAI. To our knowledge, neither relevant clinical data nor well-stablished functional studies have been reported for this variant. It has only been reported in ClinVar, as a pathogenic variant. Based on the currently available information, c.1156G>T is classified as a likely pathogenic variant according to ACMG guidelines.

Myriad Genetics, Inc.
Classification: Pathogenic for Familial cancer of breast. Last evaluated: 2023-05-22. Review status: criteria provided, single submitter. Criteria: Myriad Autosomal Dominant, Autosomal Recessive and X-Linked Classification Criteria (2023). Collection method: clinical testing. Allele origin: unknown.
Comment: This variant is considered pathogenic. This variant creates a termination codon and is predicted to result in premature protein truncation.

Color Diagnostics, LLC DBA Color Health
Classification: Pathogenic for Hereditary cancer-predisposing syndrome. Last evaluated: 2020-05-14. Review status: criteria provided, single submitter. Criteria: ACMG Guidelines, 2015. Collection method: clinical testing. Allele origin: germline.
Comment: This variant changes 1 nucleotide in exon 4 of the BARD1 gene, creating a premature translation stop signal. This variant is expected to result in an absent or non-functional protein product. To our knowledge, this variant has not been reported in individuals affected with hereditary cancer in the literature. This variant has not been identified in the general population by the Genome Aggregation Database (gnomAD). Loss of BARD1 function is a known mechanism of disease. Based on the available evidence, this variant is classified as Pathogenic.

Laboratory for Genotyping Development, RIKEN
Classification: Pathogenic for Gastric cancer. Last evaluated: 2021-07-01. Review status: no assertion criteria provided. Collection method: research. Allele origin: germline. Not counted in ClinVar's aggregate classification.

Literature cited by the submitters: PubMed 20077502 (cited by Labcorp Genetics (formerly Invitae), Labcorp); PubMed 21344236 (cited by Labcorp Genetics (formerly Invitae), Labcorp); PubMed 36988593 (cited by Laboratory for Genotyping Development, RIKEN).

NM_000465.4(BARD1):c.1156G>T (p.Glu386Ter)

Gene: BARD1 (BRCA1 associated RING domain 1; minus strand). Cytogenetic location: 2q35.
Variant type: single nucleotide variant.
Coding change: c.1156G>T on transcript NM_000465.4 (MANE Select); coding-DNA position 1156, G replaced by T.
Protein change: p.Glu386Ter; replaces glutamic acid 386 with a stop codon.
Molecular consequence: nonsense. On other transcripts: non-coding transcript variant (2), intron variant (3).
Genome position (GRCh38, 1-based): chr2:214,780,718, C>A on the plus strand (G>T on the coding strand, the complement: BARD1 is on the minus strand). VCF-style: chr2-214780718-C-A. GRCh37 (hg19) VCF-style: chr2-215645442-C-A.
Other names: c.1099G>T, p.Glu367Ter (NM_001282543.2); c.159-28163G>T (NM_001282548.2); c.215+16343G>T (NM_001282545.2); c.364+11579G>T (NM_001282549.2); short protein forms E386*, E367*.
Identifiers: ClinVar variation 490920 (VCV000490920.28), dbSNP rs1553622218, ClinGen allele CA350453942.